The following is an entry in ClinVar:

NM_001135629.3(PPP1R21):c.959A>G (p.His320Arg)

Gene: PPP1R21 (protein phosphatase 1 regulatory subunit 21; plus strand). Cytogenetic location: 2p16.3.
Variant type: single nucleotide variant.
Coding change: c.959A>G on transcript NM_001135629.3 (MANE Select); coding-DNA position 959, A replaced by G.
Protein change: p.His320Arg; replaces histidine 320 with arginine.
Molecular consequence: missense variant. On other transcripts: non-coding transcript variant (1).
Genome position (GRCh38, 1-based): chr2:48,471,148, A>G. VCF-style: chr2-48471148-A-G. GRCh37 (hg19) VCF-style: chr2-48698287-A-G.
Other names: c.959A>G, p.His320Arg (NM_001193475.2, NM_152994.5); short protein forms H320R.
Identifiers: ClinVar variation 4989835 (VCV004989835.1).

ClinVar aggregate classification (germline): Likely benign (1 of 4 stars; one submission).

Conditions:
PPP1R21-related disorder. Also called: PPP1R21-related condition.

gnomAD v4.1: 558 of 1,613,380 alleles (0.035%); highest among the groups gnomAD compares: Middle Eastern, 0.2%; no homozygotes.

Submission:

PreventionGenetics, part of Exact Sciences
Classification: Likely benign for PPP1R21-related condition. Last evaluated: 2025-10-27. Review status: criteria provided, single submitter. Criteria: ACMG Guidelines, 2015. Collection method: clinical testing. Allele origin: germline.
Comment: This variant is classified as likely benign based on ACMG/AMP sequence variant interpretation guidelines (Richards et al. 2015 PMID: 25741868, with internal and published modifications).